The following is an entry in ClinVar:

NM_001351132.2(PEX5):c.232G>A (p.Ala78Thr)

Gene: PEX5 (peroxisomal biogenesis factor 5; plus strand). Cytogenetic location: 12p13.31.
Variant type: single nucleotide variant.
Coding change: c.232G>A on transcript NM_001351132.2 (MANE Select); coding-DNA position 232, G replaced by A.
Protein change: p.Ala78Thr; replaces alanine 78 with threonine.
Molecular consequence: missense variant.
Genome position (GRCh38, 1-based): chr12:7,191,274, G>A. VCF-style: chr12-7191274-G-A. GRCh37 (hg19) VCF-style: chr12-7343870-G-A.
Other names: c.232G>A (NM_001131025.1); c.232G>A, p.Ala78Thr (NM_000319.5, NM_001131024.2, NM_001131025.2 and 19 more transcripts); c.277G>A, p.Ala93Thr (NM_001131023.2, NM_001351135.3, NM_001351138.2); short protein forms A78T, A93T.
Identifiers: ClinVar variation 2166424 (VCV002166424.3), dbSNP rs1591647680, ClinGen allele CA383711025.
Genomic context (GRCh38, chr12:7,191,274, plus strand): 5'-CCCTTCTGGCAGTTGGTGGCTGAATTCCTGCAGGACCAGAATGCACCCCTTGTGTCCCGT[G>A]CCCCTCAGACCTTCAAGATGGATGACCTCCTGGCTGAGATGCAGCAGATTGAGCAGTCAA-3'
Protein context (NP_001338061.1, residues 68-88): QDQNAPLVSR[Ala78Thr]PQTFKMDDLL

ClinVar aggregate classification (germline): Uncertain significance. Review status: criteria provided, multiple submitters, no conflicts (2 of 4 stars). 3 submissions from 3 submitters: Uncertain significance (3). Last evaluated 2026-01-13.

Conditions:
PEX5-related disorder. Also called: PEX5-Related Disorders; PEX5-related condition.
Peroxisome biogenesis disorder 2B (PBD2B). Identifiers: Orphanet 44, MedGen C3550234, MONDO:0008736, OMIM 202370.

Allele frequency attached by ClinVar (database versions not stated): gnomAD 0.00001.
gnomAD v4.1: 1 of 1,614,004 alleles (0.000062%); highest among the groups gnomAD compares: African/African-American, 0.0013%; no homozygotes.

Submissions (3):

PreventionGenetics, part of Exact Sciences
Classification: Uncertain significance for PEX5-related condition. Last evaluated: 2026-01-13. Review status: criteria provided, single submitter. Criteria: ACMG Guidelines, 2015. Collection method: clinical testing. Allele origin: germline.
Comment: The PEX5 c.232G>A variant is predicted to result in the amino acid substitution p.Ala78Thr. To our knowledge, this variant has not been reported in the literature or in a large population database (gnomAD), indicating this variant is rare. At this time, the clinical significance of this variant is uncertain due to the absence of conclusive functional and genetic evidence.

Blueprint Genetics
Classification: Uncertain significance. Last evaluated: 2023-04-04. Review status: criteria provided, single submitter. Criteria: ACMG Guidelines, 2015. Collection method: clinical testing. Allele origin: germline.

Labcorp Genetics (formerly Invitae), Labcorp
Classification: Uncertain significance for Peroxisome biogenesis disorder 2B. Last evaluated: 2022-05-12. Review status: criteria provided, single submitter. Criteria: Invitae Variant Classification Sherloc (09022015). Collection method: clinical testing. Allele origin: germline.
Comment: This sequence change replaces alanine, which is neutral and non-polar, with threonine, which is neutral and polar, at codon 78 of the PEX5 protein (p.Ala78Thr). This variant is not present in population databases (gnomAD no frequency). This variant has not been reported in the literature in individuals affected with PEX5-related conditions. Algorithms developed to predict the effect of missense changes on protein structure and function are either unavailable or do not agree on the potential impact of this missense change (SIFT: "Deleterious"; PolyPhen-2: "Benign"; Align-GVGD: "Class C0"). In summary, the available evidence is currently insufficient to determine the role of this variant in disease. Therefore, it has been classified as a Variant of Uncertain Significance.